The following is an entry in ClinVar:

NM_000552.5(VWF):c.3568T>C (p.Cys1190Arg)

Gene: VWF (von Willebrand factor; minus strand). Cytogenetic location: 12p13.31.
Variant type: single nucleotide variant.
Coding change: c.3568T>C on transcript NM_000552.5 (MANE Select); coding-DNA position 3568, T replaced by C.
Protein change: p.Cys1190Arg; replaces cysteine 1190 with arginine.
Molecular consequence: missense variant.
Genome position (GRCh38, 1-based): chr12:6,022,006, A>G on the plus strand (T>C on the coding strand, the complement: VWF is on the minus strand). VCF-style: chr12-6022006-A-G. GRCh37 (hg19) VCF-style: chr12-6131172-A-G.
Other names: p.C1190R; NM_000552.5(VWF):c.3568T>C; p.Cys1190Arg; short protein forms C1190R.
Identifiers: ClinVar variation 100269 (VCV000100269.8), dbSNP rs61749364, ClinGen allele CA228423.

ClinVar aggregate classification (germline): Pathogenic. Review status: reviewed by expert panel (3 of 4 stars). 6 submissions from 5 submitters: Pathogenic (1). 5 of the submissions do not count toward it. Last evaluated 2025-05-06.

Conditions:
Von Willebrand disease type 2A. Identifiers: Orphanet 166084, MedGen C1282968, MONDO:0015628. Inheritance: Autosomal recessive or autosomal dominant.
Hereditary von Willebrand disease. Identifiers: Orphanet 903, MedGen C5703318, MONDO:0019565. Inheritance: Autosomal recessive or Autosomal dominant.
von Willebrand disease type 3 (VWD3). Also called: Type 3 Von Willebrand's disease; Type 3 VWD; Von Willebrand disease, severe form; V WD3; VON WILLEBRAND DISEASE, TYPE III. Identifiers: Orphanet 166096, MedGen C1264041, MONDO:0010191, OMIM 277480.
von Willebrand disease type 1 (VWD1). Also called: VWD, TYPE 1; VON WILLEBRAND DISEASE, TYPE I. Identifiers: Orphanet 166078, Orphanet 903, MedGen C1264039, MONDO:0008668, OMIM 193400. Inheritance: autosomal recessive or autosomal dominant.

Submissions (6):

ClinGen von Willebrand Disease Variant Curation Expert Panel, ClinGen
Classification: Pathogenic for Von Willebrand disease type 2A. Last evaluated: 2025-05-06. Review status: reviewed by expert panel. Criteria: ClinGen VWD 2A B M Rules. Collection method: curation. Allele origin: germline. Inheritance: Autosomal dominant inheritance.
Comment: The NM_000552.5:c.3568T>C variant in VWF is a missense variant predicted to cause substitution of cysteine by arginine at amino acid 1190. At least 1 patient with this variant displayed excessive mucocutaneous bleeding as well as laboratory phenotypes of very low VWF activity measured by VWF:Collagen binding assay, low activity/VWF:Ag ratio, and loss of high molecular weight multimers, which together are highly specific for VWD type 2A. (PP4_moderate, PMID 34532631). An additional consistent phenotype was also reported in the patient specifically, a normal platelet count. This variant has been reported in 12 additional probands meeting PP4 laboratory phenotype criteria (PS4_Moderate; WiN Study - Personal Communication). The variant has been reported to segregate with VWD type 2A through >2 affected meioses in 2 families (PP1_moderate; WiN Study Database personal communication). This variant is absent from gnomAD v4.1 (PM2_Supporting). The computational predictor REVEL gives a score of 0.982, which is above the ClinGen VWD VCEP threshold of >0.644 and predicts a damaging effect on VWF function (PP3). In summary, this variant meets the criteria to be classified as pathogenic for autosomal dominant VWD type 2A based on the ACMG/AMP criteria applied, as specified by the ClinGen VWD VCEP: PP4_Moderate, PS4_VeryStrong, PP1_Moderate, PM2_Supporting, PP3. (ClinGen von Willebrand Disease Expert Panel Specifications to the ACMG/AMP Variant Interpretation Guidelines for VWF Version 1.0.0)

Laboratory of Hematology, Radboud University Medical Center
Classification: Pathogenic for von Willebrand disease type 1. Last evaluated: 2021-07-01. Review status: criteria provided, single submitter. Criteria: ACMG Guidelines, 2015. Collection method: research. Allele origin: germline. Affected: yes. Observed: 4 variant alleles. Study: WIN study. Not counted in ClinVar's aggregate classification.

Laboratory of Hematology, Radboud University Medical Center
Classification: Pathogenic for von Willebrand disease type 3. Last evaluated: 2021-07-01. Review status: criteria provided, single submitter. Criteria: ACMG Guidelines, 2015. Collection method: research. Allele origin: germline. Affected: yes. Observed: 1 variant allele. Study: WIN study. Not counted in ClinVar's aggregate classification.

NIHR Bioresource Rare Diseases, University of Cambridge
Classification: Likely pathogenic for von Willebrand disorder. Last evaluated: 2019-02-01. Review status: criteria provided, single submitter. Criteria: ACMG Guidelines, 2015. Collection method: research. Allele origin: unknown. Affected: yes. Observed: 1 heterozygote. Study: ThromboGenomics. Not counted in ClinVar's aggregate classification.

Angelo Bianchi Bonomi Hemophilia and Thrombosis Center, Fondazione IRCCS Ca Granda Ospedale Maggiore Policlinico
Classification: Likely pathogenic for von Willebrand disease type 3. Last evaluated: 2020-11-01. Review status: no assertion criteria provided. Collection method: clinical testing. Allele origin: germline. Affected: yes. Study: Type 3 Von Willebrand International Registries Inhibitor Prospective Study (3WINTERS-IPS). Not counted in ClinVar's aggregate classification.
Comment: ClinGen Pathogenicity Calculator

Academic Unit of Haematology, University of Sheffield
No classification provided. Review status: no classification provided. Collection method: not provided. Allele origin: not provided. Not counted in ClinVar's aggregate classification.

Literature cited by the submitters: PubMed 31064749 (cited by NIHR Bioresource Rare Diseases, University of Cambridge).